The following is an entry in ClinVar:

ClinVar aggregate classification (germline): Pathogenic (1 of 4 stars; one submission).

Conditions:
Familial adenomatous polyposis 1 (FAP1). Also called: FAMILIAL ADENOMATOUS POLYPOSIS 1, ATTENUATED; POLYPOSIS, ADENOMATOUS INTESTINAL. Identifiers: MedGen C2713442, MONDO:0021056, OMIM 175100. Disease mechanism: loss of function.

Submission:

Labcorp Genetics (formerly Invitae), Labcorp
Classification: Pathogenic for Familial adenomatous polyposis 1. Last evaluated: 2024-01-24. Review status: criteria provided, single submitter. Criteria: Invitae Variant Classification Sherloc (09022015). Collection method: clinical testing. Allele origin: germline.
Comment: This sequence change creates a premature translational stop signal (p.Asp1569*) in the APC gene. While this is not anticipated to result in nonsense mediated decay, it is expected to disrupt the last 1275 amino acid(s) of the APC protein. This variant is not present in population databases (gnomAD no frequency). This variant has not been reported in the literature in individuals affected with APC-related conditions. This variant is expected to disrupt the EB1 and HDLG binding sites, which mediate interactions with the cytoskeleton (PMID: 15311282, 17293347). While functional studies have not been performed to directly test the effect on APC protein function, this suggests that disruption of the C-terminal portion of the protein is functionally important. This variant disrupts a region of the APC protein in which other variant(s) (c.7932_7935del) have been determined to be pathogenic (PMID: 1316610, 8381579, 9824584, 15311282, 17293347, 22135120, 27081525). This suggests that this is a clinically significant region of the protein, and that variants that disrupt it are likely to be disease-causing. For these reasons, this variant has been classified as Pathogenic.

Literature cited by the submitters: PubMed 15311282; PubMed 17293347; PubMed 1316610; PubMed 8381579; PubMed 9824584; PubMed 22135120; PubMed 27081525.

NM_000038.6(APC):c.4705_4706del (p.Asp1568_Asp1569insTer)

Gene: APC (APC regulator of Wnt signaling pathway; plus strand). Cytogenetic location: 5q22.2.
Variant type: Deletion.
Coding change: c.4705_4706del on transcript NM_000038.6 (MANE Select); coding-DNA positions 4705 to 4706, 2 bases deleted (GA; older notation c.4705_4706delGA).
Protein change: p.Asp1568_Asp1569insTer.
Molecular consequence: nonsense. On other transcripts: non-coding transcript variant (2).
Genome position (GRCh38, 1-based): chr5:112,840,299-112,840,300, GA deleted. VCF-style (leftmost placement, unchanged base first): chr5-112840298-TGA-T. GRCh37 (hg19) VCF-style: chr5-112175995-TGA-T.
Other names: c.4705_4706del, p.Asp1568_Asp1569insTer (NM_001127510.3, NM_001354895.2, NM_001407450.1); c.4651_4652del, p.Asp1550_Asp1551insTer (NM_001127511.3); c.4759_4760del, p.Asp1586_Asp1587insTer (NM_001354896.2, NM_001407447.1, NM_001407448.1 and 1 more transcripts); c.4735_4736del, p.Asp1578_Asp1579insTer (NM_001354897.2); c.4630_4631del, p.Asp1543_Asp1544insTer (NM_001354898.2); c.4621_4622del, p.Asp1540_Asp1541insTer (NM_001354899.2); c.4582_4583del, p.Asp1527_Asp1528insTer (NM_001354900.2); c.4528_4529del, p.Asp1509_Asp1510insTer (NM_001354901.2, NM_001407453.1); and 11 more.
Identifiers: ClinVar variation 2710934 (VCV002710934.3), dbSNP rs2533594261, ClinGen allele CA2697546418.